The following is an entry in ClinVar:

NM_001387430.1(SH2B1):c.1224G>A (p.Glu408=)

Gene: SH2B1 (SH2B adaptor protein 1; plus strand). Cytogenetic location: 16p11.2.
Variant type: single nucleotide variant.
Coding change: c.1224G>A on transcript NM_001387430.1 (MANE Select); coding-DNA position 1224, G replaced by A.
Protein change: p.Glu408=; no amino-acid change (glutamic acid 408 retained).
Molecular consequence: synonymous variant.
Genome position (GRCh38, 1-based): chr16:28,869,298, G>A. VCF-style: chr16-28869298-G-A. GRCh37 (hg19) VCF-style: chr16-28880619-G-A.
Other names: c.1224G>A, p.Glu408= (NM_001145795.2, NM_001145796.2, NM_001145797.2 and 4 more transcripts); c.216G>A, p.Glu72= (NM_001308294.2); c.1224G>A (NM_001145795.1).
Identifiers: ClinVar variation 4699749 (VCV004699749.2).
Genomic context (GRCh38, chr16:28,869,298, plus strand): 5'-GACCCTCCCTCTGGCCCCTGGGACCTCATTCCTTACAAGGGAGAACACAGACAGCCTGGA[G>A]CTGTCCTGCCTGAATCACTCGGAGAGTCTACCCAGCCAGGACCTGCTGCTTGGACCCAGC-3'
Protein context (NP_001374359.1, residues 398-418): FLTRENTDSL[Glu408=]LSCLNHSESL

ClinVar aggregate classification (germline): Likely benign. Review status: criteria provided, multiple submitters, no conflicts (2 of 4 stars). 2 submissions from 2 submitters: Likely benign (2). Last evaluated 2025-07-17.

Conditions:
SH2B1-related disorder. Also called: SH2B1-related condition.

gnomAD v4.1: 9 of 1,613,974 alleles (0.00056%); highest among the groups gnomAD compares: Middle Eastern, 0.033%; no homozygotes.

Submissions (2):

Labcorp Genetics (formerly Invitae), Labcorp
Classification: Likely benign. Last evaluated: 2025-07-17. Review status: criteria provided, single submitter. Criteria: Invitae Variant Classification Sherloc (09022015). Collection method: clinical testing. Allele origin: germline.

PreventionGenetics, part of Exact Sciences
Classification: Likely benign for SH2B1-related condition. Last evaluated: 2025-05-21. Review status: criteria provided, single submitter. Criteria: ACMG Guidelines, 2015. Collection method: clinical testing. Allele origin: germline.
Comment: This variant is classified as likely benign based on ACMG/AMP sequence variant interpretation guidelines (Richards et al. 2015 PMID: 25741868, with internal and published modifications).